The following is an entry in ClinVar:

NM_014991.6(WDFY3):c.7282C>T (p.Arg2428Ter)

Gene: WDFY3 (WD repeat and FYVE domain containing 3; minus strand). Cytogenetic location: 4q21.23.
Variant type: single nucleotide variant.
Coding change: c.7282C>T on transcript NM_014991.6 (MANE Select); coding-DNA position 7282, C replaced by T.
Protein change: p.Arg2428Ter; replaces arginine 2428 with a stop codon.
Molecular consequence: nonsense.
Genome position (GRCh38, 1-based): chr4:84,724,585, G>A on the plus strand (C>T on the coding strand, the complement: WDFY3 is on the minus strand). VCF-style: chr4-84724585-G-A. GRCh37 (hg19) VCF-style: chr4-85645738-G-A.
Other names: short protein forms R2428*.
Identifiers: ClinVar variation 4200304 (VCV004200304.2).

ClinVar aggregate classification (germline): Pathogenic/Likely pathogenic. Review status: criteria provided, multiple submitters, no conflicts (2 of 4 stars). 2 submissions from 2 submitters: Pathogenic (1); Likely pathogenic (1). Last evaluated 2025-08-29.

Conditions:
Inborn genetic diseases. Identifiers: MedGen C0950123, MeSH D030342.
WDFY3-related disorder.

Submissions (2):

Ambry Genetics
Classification: Pathogenic for Inborn genetic diseases. Last evaluated: 2025-08-29. Review status: criteria provided, single submitter. Criteria: Ambry Variant Classification Scheme 2023. Collection method: clinical testing. Allele origin: germline.
Comment: The c.7282C>T (p.R2428*) alteration, located in exon 46 (coding exon 43) of the WDFY3 gene, consists of a C to T substitution at nucleotide position 7282. This changes the amino acid from an arginine (R) to a stop codon at amino acid position 2428. This alteration is expected to result in loss of function by premature protein truncation or nonsense-mediated mRNA decay. This variant was not reported in population-based cohorts in the Genome Aggregation Database (gnomAD). Based on the available evidence, this alteration is classified as pathogenic.

Blueprint Genetics
Classification: Likely pathogenic for WDFY3-related disorders. Last evaluated: 2023-07-12. Review status: criteria provided, single submitter. Criteria: ACMG Guidelines, 2015. Collection method: clinical testing. Allele origin: germline. Affected: yes. Observed: 1 variant allele.